The following is an entry in ClinVar:

NM_000317.3(PTS):c.86A>T (p.Lys29Ile)

Gene: PTS (6-pyruvoyltetrahydropterin synthase; plus strand). Cytogenetic location: 11q23.1.
Variant type: single nucleotide variant.
Coding change: c.86A>T on transcript NM_000317.3 (MANE Select); coding-DNA position 86, A replaced by T.
Protein change: p.Lys29Ile; replaces lysine 29 with isoleucine.
Molecular consequence: missense variant.
Genome position (GRCh38, 1-based): chr11:112,228,596, A>T. VCF-style: chr11-112228596-A-T. GRCh37 (hg19) VCF-style: chr11-112099319-A-T.
Other names: short protein forms K29I.
Identifiers: ClinVar variation 4855973 (VCV004855973.1).

ClinVar aggregate classification (germline): Uncertain significance (1 of 4 stars; one submission).

Conditions:
6-Pyruvoyl-tetrahydrobiopterin synthase deficiency. Also called: Hyperphenylalanemia, BH4-deficient, A; Hyperphenylalaninemia due to 6-pyruvoyl-tetrahydropterin synthase deficiency; BH4-deficient hyperphenylalaninemia A; PTS-Related Tetrahydrobiopterin Deficiency; PTS DEFICIENCY; 6-Pyruvoyltetrahydropterin Synthase Deficiency. Identifiers: Orphanet 13, Orphanet 238583, MedGen C0878676, MONDO:0009863, OMIM 261640.

Submission:

3billion
Classification: Uncertain significance for 6-Pyruvoyl-tetrahydrobiopterin synthase deficiency. Last evaluated: 2025-09-01. Review status: criteria provided, single submitter. Criteria: ACMG Guidelines, 2015. Collection method: clinical testing. Allele origin: germline. Affected: yes.
Comment: The variant is observed at an extremely low frequency in the gnomAD v4.1.0 dataset (total allele frequency: <0.001%). Predicted Consequence/Location: Missense variant Damaging effect on gene or gene product predicted by in silico programs is uncertain [REVEL: 0.56 (damaging >=0.6, benign <0.4), 3Cnet: 0.72 (damaging >0.75, benign <0.1)]. A different missense change at the same codon (p.Lys29Thr) has been reported to be associated with PTS-related disorder (PMID: 23942198). However the evidence of pathogenicity is insufficient at this time. Therefore, this variant is classified as VUS according to the recommendation of ACMG/AMP guideline.

Literature cited by the submitters: PubMed 23942198.